The following is an entry in ClinVar:

ClinVar aggregate classification (germline): Benign/Likely benign. Review status: criteria provided, multiple submitters, no conflicts (2 of 4 stars). 2 submissions from 2 submitters: Benign (1); Likely benign (1). Last evaluated 2024-09-19.

Conditions:
Hereditary cancer-predisposing syndrome. Also called: Tumor predisposition; Neoplastic Syndromes, Hereditary; Hereditary Cancer Syndrome; Hereditary neoplastic syndrome. Identifiers: Orphanet 140162, MedGen C0027672, MeSH D009386, MONDO:0015356.
Hereditary diffuse gastric adenocarcinoma (HDGC). Also called: DIFFUSE GASTRIC AND LOBULAR BREAST CANCER SYNDROME. Identifiers: Orphanet 26106, MedGen C1708349, MONDO:0007648, OMIM 137215.

Submissions (2):

Myriad Genetics, Inc.
Classification: Benign for Hereditary diffuse gastric adenocarcinoma. Last evaluated: 2024-09-19. Review status: criteria provided, single submitter. Criteria: Myriad Autosomal Dominant, Autosomal Recessive and X-Linked Classification Criteria (2023). Collection method: clinical testing. Allele origin: unknown.
Comment: This variant is considered benign. This variant is a silent/synonymous amino acid change and it is not expected to impact splicing.

Ambry Genetics
Classification: Likely benign for Hereditary cancer-predisposing syndrome. Last evaluated: 2016-08-10. Review status: criteria provided, single submitter. Criteria: Ambry Variant Classification Scheme 2023. Collection method: clinical testing. Allele origin: germline.

NM_004360.5(CDH1):c.1635G>A (p.Arg545=)

Gene: CDH1 (cadherin 1; plus strand). Cytogenetic location: 16q22.1.
Variant type: single nucleotide variant.
Coding change: c.1635G>A on transcript NM_004360.5 (MANE Select); coding-DNA position 1635, G replaced by A.
Protein change: p.Arg545=; no amino-acid change (arginine 545 retained).
Molecular consequence: synonymous variant. On other transcripts: intron variant (1).
Genome position (GRCh38, 1-based): chr16:68,819,349, G>A. VCF-style: chr16-68819349-G-A. GRCh37 (hg19) VCF-style: chr16-68853252-G-A.
Other names: c.1452G>A, p.Arg484= (NM_001317184.2); c.87G>A, p.Arg29= (NM_001317185.2); c.-254-2652G>A (NM_001317186.2).
Identifiers: ClinVar variation 1776919 (VCV001776919.3), dbSNP rs2152136870, ClinGen allele CA496154380.
Genomic context (GRCh38, chr16:68,819,349, plus strand): 5'-TTGGAGAGACACTGCCAACTGGCTGGAGATTAATCCGGACACTGGTGCCATTTCCACTCG[G>A]GCTGAGCTGGACAGGGAGGATTTTGAGCACGTGAAGAACAGCACGTACACAGCCCTAATC-3'
Protein context (NP_004351.1, residues 535-555): INPDTGAIST[Arg545=]AELDREDFEH